The following is an entry in ClinVar:

NM_000516.7(GNAS):c.-34_-2dup

Gene: GNAS (GNAS complex locus; plus strand). Cytogenetic location: 20q13.32.
Variant type: Duplication.
Coding change: c.-34_-2dup on transcript NM_000516.7 (MANE Select); 34 bases upstream of the start codon through 2 bases upstream of the start codon, 33 bases duplicated.
Molecular consequence: 5 prime UTR variant. On other transcripts: intron variant (11).
Genome position (GRCh38, 1-based): chr20:58,891,693-58,891,725, 33 bases duplicated; duplicating any 33 consecutive bases within chr20:58,891,680-58,891,725 gives the same sequence; the c. name uses the placement nearest the transcript's 3' end. GRCh37 (hg19): chr20:57,466,748-57,466,780.
Other names: c.-34_-2dup (NM_001077488.5, NM_001077489.4, NM_001309842.2 and 1 more transcripts); c.*43-3919_*43-3887dup (NM_016592.5); c.44-3919_44-3887dup (NM_001410912.1); c.-38-3919_-38-3887dup (NM_001309861.2); c.*1-3919_*1-3887dup (NM_001077490.3); c.2069-3919_2069-3887dup (NM_080425.4, NM_001410913.1); c.*159-3919_*159-3887dup (NM_001309883.1); c.-39+2340_-39+2372dup (NM_001438273.1, NM_001309840.2); and 1 more.
Identifiers: ClinVar variation 4991981 (VCV004991981.1).

ClinVar aggregate classification (germline): Likely benign (1 of 4 stars; one submission).

Conditions:
GNAS-related disorder. Identifiers: MedGen CN380105.

Submission:

PreventionGenetics, part of Exact Sciences
Classification: Likely benign for GNAS-related condition. Last evaluated: 2025-09-08. Review status: criteria provided, single submitter. Criteria: ACMG Guidelines, 2015. Collection method: clinical testing. Allele origin: germline.
Comment: This variant is classified as likely benign based on ACMG/AMP sequence variant interpretation guidelines (Richards et al. 2015 PMID: 25741868, with internal and published modifications).